The following is an entry in ClinVar:

NM_001145809.2(MYH14):c.820A>G (p.Ile274Val)

Gene: MYH14 (myosin heavy chain 14; plus strand). Cytogenetic location: 19q13.33.
Variant type: single nucleotide variant.
Coding change: c.820A>G on transcript NM_001145809.2 (MANE Select); coding-DNA position 820, A replaced by G.
Protein change: p.Ile274Val; replaces isoleucine 274 with valine.
Molecular consequence: missense variant.
Genome position (GRCh38, 1-based): chr19:50,226,912, A>G. VCF-style: chr19-50226912-A-G. GRCh37 (hg19) VCF-style: chr19-50730169-A-G.
Other names: c.820A>G, p.Ile274Val (NM_001077186.2); c.796A>G, p.Ile266Val (NM_024729.4); short protein forms I274V, I266V.
Identifiers: ClinVar variation 178412 (VCV000178412.70), dbSNP rs200424400, ClinGen allele CA182276.

ClinVar aggregate classification (germline): Conflicting classifications of pathogenicity. Review status: criteria provided, conflicting classifications (1 of 4 stars). 12 submissions from 12 submitters: Uncertain significance (3); Benign (1); Likely benign (5). 3 of the submissions do not count toward it. Last evaluated 2026-06-16.

Conditions:
MYH14-related disorder. Also called: MYH14-related condition.
Autosomal dominant nonsyndromic hearing loss 4A. Also called: Deafness, autosomal dominant 4A. Identifiers: Orphanet 90635, MedGen C1833503, MONDO:0010915, OMIM 600652.

Allele frequency attached by ClinVar (database versions not stated): 1000 Genomes Project 0.00020; gnomAD 0.00027 and 0.00030; 1000 Genomes Project 30x 0.00031; gnomAD exomes 0.00035 and 0.00041; TOPMed 0.00035; ExAC 0.00047; ESP Exome Variant Server 0.00085.
gnomAD v4.1: 586 of 1,613,760 alleles (0.036%); highest among the groups gnomAD compares: Middle Eastern, 0.41%; no homozygotes.

Submissions (12):

Women's Health and Genetics/Laboratory Corporation of America, LabCorp
Classification: Likely benign. Last evaluated: 2026-06-16. Review status: criteria provided, single submitter. Criteria: LabCorp Variant Classification Summary - May 2015. Collection method: clinical testing. Allele origin: germline.
Comment: Variant summary: MYH14 c.796A>G (p.Ile266Val) results in a conservative amino acid change in the encoded protein sequence. Algorithms developed to predict the effect of missense changes on protein structure and function are either unavailable or do not agree on the potential impact of this missense change. The variant allele was found at a frequency of 0.00041 in 251194 control chromosomes. The observed variant frequency exceeds the estimated maximal expected allele frequency for disease-causing variants in MYH14. To our knowledge, no occurrence of c.796A>G in individuals affected with MYH14-related conditions and no experimental evidence demonstrating its impact on protein function have been reported. ClinVar contains an entry for this variant (Variation ID: 178412). Based on the evidence outlined above, the variant was classified as likely benign.

Labcorp Genetics (formerly Invitae), Labcorp
Classification: Likely benign. Last evaluated: 2026-01-21. Review status: criteria provided, single submitter. Criteria: Invitae Variant Classification Sherloc (09022015). Collection method: clinical testing. Allele origin: germline.

Blueprint Genetics
Classification: Likely benign. Last evaluated: 2024-11-13. Review status: criteria provided, single submitter. Criteria: ACMG Guidelines, 2015. Collection method: clinical testing. Allele origin: germline.

CeGaT Center for Human Genetics Tuebingen
Classification: Benign. Last evaluated: 2024-03-01. Review status: criteria provided, single submitter. Criteria: CeGaT Center For Human Genetics Tuebingen Variant Classification Criteria Version 2. Collection method: clinical testing. Allele origin: germline. Affected: yes. Observed: 7 variant alleles.
Comment: MYH14: BS1, BS2

GeneDx
Classification: Likely benign. Last evaluated: 2020-09-01. Review status: criteria provided, single submitter. Criteria: GeneDx Variant Classification Process June 2021. Collection method: clinical testing. Allele origin: germline. Affected: yes.
Comment: This variant is associated with the following publications: (PMID: 15015131)

Eurofins Ntd Llc (ga)
Classification: Uncertain significance. Last evaluated: 2018-05-30. Review status: criteria provided, single submitter. Criteria: EGL ClinVar v180209 classification definitions. Collection method: clinical testing. Allele origin: germline. Observed: 1 variant allele, 1 heterozygote.

ARUP Laboratories, Molecular Genetics and Genomics, ARUP Laboratories
Classification: Uncertain significance. Last evaluated: 2017-08-25. Review status: criteria provided, single submitter. Criteria: ARUP Molecular Germline Variant Investigation Process. Collection method: clinical testing. Allele origin: germline.
Comment: The p.Ile266Val variant (rs200424400) has not been reported in the medical literature, but it is classified as a variant of uncertain significance in ClinVar (Variant ID: 178412). The isoleucine at codon 266 is highly conserved considering 7 species up to Cow (Alamut software v2.9), and computational analyses suggest that this variant effects the MYH14 protein structure/function (SIFT: damaging, PolyPhen2: possibly damaging, and Mutation Taster: disease causing). However, based on the available information, the clinical significance of the p.Ile266Val variant cannot be determined with certainty.

Illumina Laboratory Services, Illumina
Classification: Likely benign for Autosomal dominant nonsyndromic hearing loss 4A. Last evaluated: 2017-04-27. Review status: criteria provided, single submitter. Criteria: ICSL Variant Classification Criteria 13 December 2019. Collection method: clinical testing. Allele origin: germline.
Comment: This variant was observed as part of a predisposition screen in an ostensibly healthy population. A literature search was performed for the gene, cDNA change, and amino acid change (where applicable). Publications were found based on this search. The evidence from the literature, in combination with allele frequency data from public databases where available, was sufficient to determine this variant is unlikely to cause disease. Therefore, this variant is classified as likely benign.

Laboratory for Molecular Medicine, Mass General Brigham Personalized Medicine
Classification: Uncertain significance. Last evaluated: 2017-02-07. Review status: criteria provided, single submitter. Criteria: LMM Criteria. Collection method: clinical testing. Allele origin: germline. Observed: 4 variant alleles.
Comment: The p.Ile274Val variant in MYH14 has been previously reported by our laboratory in 3 individuals with hearing loss. This variant has been identified in 0.1% (17 /16486) of South Asian chromosomes by the Exome Aggregation Consortium (ExAC; dbSNP rs200424400). Although this variant has been seen in the general population, its frequency is not high enough to rule out a pathogenic role. Computational prediction tools and conservation analyses sugges t that the p.Ile274Val variant may impact the protein, though this information i s not predictive enough to determine pathogenicity. In summary, the clinical si gnificance of the p.Ile274Val variant is uncertain.

PreventionGenetics, part of Exact Sciences
Classification: Likely benign for MYH14-related condition. Last evaluated: 2024-04-02. Review status: no assertion criteria provided. Collection method: clinical testing. Allele origin: germline. Not counted in ClinVar's aggregate classification.
Comment: This variant is classified as likely benign based on ACMG/AMP sequence variant interpretation guidelines (Richards et al. 2015 PMID: 25741868, with internal and published modifications).

Clinical Genetics DNA and cytogenetics Diagnostics Lab, Erasmus MC, Erasmus Medical Center
Classification: Uncertain significance. Review status: no assertion criteria provided. Collection method: clinical testing. Allele origin: germline. Affected: yes. Study: VKGL Data-share Consensus. Not counted in ClinVar's aggregate classification.

Clinical Genetics, Academic Medical Center
Classification: Uncertain significance. Review status: no assertion criteria provided. Collection method: clinical testing. Allele origin: germline. Affected: yes. Study: VKGL Data-share Consensus. Not counted in ClinVar's aggregate classification.

Literature cited by the submitters: PubMed 15015131 (cited by Illumina Laboratory Services, Illumina).